The following is an entry in ClinVar:

NM_001292034.3(TAB2):c.1272del (p.Gln425fs)

Genes: TAB2 (TGF-beta activated kinase 1 (MAP3K7) binding protein 2; plus strand), LOC126859827 (BRD4-independent group 4 enhancer GRCh37_chr6:149699707-149700906; plus strand). Cytogenetic location: 6q25.1.
Variant type: Deletion.
Coding change: c.1272del on transcript NM_001292034.3 (MANE Select); coding-DNA position 1272, one base deleted (G; older notation c.1272delG).
Protein change: p.Gln425fs; shifts the reading frame from glutamine 425.
Molecular consequence: frameshift variant.
Genome position (GRCh38, 1-based): chr6:149,379,187, G deleted; the last of 3 consecutive G bases (chr6:149,379,185-149,379,187); deleting any one gives the same sequence. VCF-style (leftmost placement, unchanged base first): chr6-149379184-TG-T. GRCh37 (hg19) VCF-style: chr6-149700320-TG-T.
Other names: c.1176del, p.Gln393fs (NM_001292035.3); c.1272del, p.Gln425fs (NM_001369506.1, NM_015093.6); short protein forms Q393fs, Q425fs.
Identifiers: ClinVar variation 4293343 (VCV004293343.1).

ClinVar aggregate classification (germline): Likely pathogenic (1 of 4 stars; one submission).

Conditions:
Congenital heart defects, multiple types, 2 (CHTD2). Also called: Congenital heart defects, nonsyndromic, 2. Identifiers: Orphanet 664401, MedGen C3554279, MONDO:0014000, OMIM 614980.

Submission:

3billion
Classification: Likely pathogenic for Congenital heart defects, multiple types, 2. Last evaluated: 2024-12-27. Review status: criteria provided, single submitter. Criteria: ACMG Guidelines, 2015. Collection method: clinical testing. Allele origin: germline. Affected: yes.
Comment: The variant is not observed in the gnomAD v4.1.0 dataset. Predicted Consequence/Location: Frameshift: predicted to result in a loss or disruption of normal protein function through nonsense-mediated decay (NMD) or protein truncation. Multiple pathogenic variants are reported downstream of the variant. Therefore, this variant is classified as Likely pathogenic according to the recommendation of ACMG/AMP guideline.